The following is an entry in ClinVar:

ClinVar aggregate classification (germline): Likely pathogenic (1 of 4 stars; one submission).

Conditions:
CEBALID syndrome (CEBALID). Also called: CRANIOFACIAL DEFECTS, DYSMORPHIC EARS, STRUCTURAL BRAIN ABNORMALITIES, EXPRESSIVE LANGUAGE DELAY, AND IMPAIRED INTELLECTUAL DEVELOPMENT; MN1 C-TERMINAL TRUNCATION SYNDROME. Identifiers: Orphanet 693549, MedGen C5394044, MONDO:0032908, OMIM 618774.

Submission:

Johns Hopkins Genomics, Johns Hopkins University
Classification: Likely pathogenic for CEBALID syndrome. Last evaluated: 2022-11-03. Review status: criteria provided, single submitter. Criteria: ACMG Guidelines, 2015. Collection method: clinical testing. Allele origin: germline.
Comment: This MN1 variant is absent from a large population dataset and has not been reported in ClinVar nor the literature, to our knowledge. This frameshift variant is predicted to lead to a premature termination signal within the last exon of the gene, likely escaping nonsense-mediated decay and resulting in a truncated protein product. This variant clusters with other reported MN1 truncating variants identified in individuals with MCTT syndrome. Parental specimens were unavailable to confirm that this variant is de novo. We consider c.3822delT (p.Gly1275fs) to be likely pathogenic.

Literature cited by the submitters: PubMed 31834374; PubMed 31839203.

NM_002430.3(MN1):c.3822del (p.Gly1275fs)

Gene: MN1 (MN1 proto-oncogene, transcriptional regulator; minus strand). Cytogenetic location: 22q12.1.
Variant type: Deletion.
Coding change: c.3822del on transcript NM_002430.3 (MANE Select); coding-DNA position 3822, one base deleted (T; older notation c.3822delT).
Protein change: p.Gly1275fs; shifts the reading frame from glycine 1275.
Molecular consequence: frameshift variant.
Genome position (GRCh38, 1-based): chr22:27,751,056, A deleted on the plus strand (T on the coding strand, the reverse complement: MN1 is on the minus strand). VCF-style (leftmost placement, unchanged base first): chr22-27751055-CA-C. GRCh37 (hg19) VCF-style: chr22-28147043-CA-C.
Other names: short protein forms G1275fs.
Identifiers: ClinVar variation 2443066 (VCV002443066.1), dbSNP rs2517749386, ClinGen allele CA2580099333.
Genomic context (GRCh38, chr22:27,751,055, plus strand): 5'-GAGCCTTGGCGTCACCCACGTCGTCTGTGCAGTGGACAGACAGGCACTGCAAGTGGCTGC[CA>C]GGCTGGGATGCTGAGGCCTTGTTTGCAGGGAGGTCGTGGGCTGTGGAGAGAGAAGGAAGA-3'